The following is an entry in ClinVar:

NM_001378120.1(MBD5):c.2297C>G (p.Thr766Ser)

Gene: MBD5 (methyl-CpG binding domain protein 5; plus strand). Cytogenetic location: 2q23.1.
Variant type: single nucleotide variant.
Coding change: c.2297C>G on transcript NM_001378120.1 (MANE Select); coding-DNA position 2297, C replaced by G.
Protein change: p.Thr766Ser; replaces threonine 766 with serine.
Molecular consequence: missense variant.
Genome position (GRCh38, 1-based): chr2:148,470,240, C>G. VCF-style: chr2-148470240-C-G. GRCh37 (hg19) VCF-style: chr2-149227809-C-G.
Other names: c.2297C>G, p.Thr766Ser (NM_018328.5); short protein forms T766S.
Identifiers: ClinVar variation 1717219 (VCV001717219.6), dbSNP rs755452378, ClinGen allele CA1900118.
Genomic context (GRCh38, chr2:148,470,240, plus strand): 5'-CTAGTGTTCTTCAGAACATACCTTTAAGAGGGGAAGCCGTGCACTGCCACAATGCAAACA[C>G]TAACTTTGTTCACAGTAACAGTCCAGTCCCCAACCACCATCTTGCAGGTTTAATAAATCA-3'
Protein context (NP_001365049.1, residues 756-776): GEAVHCHNAN[Thr766Ser]NFVHSNSPVP

ClinVar aggregate classification (germline): Uncertain significance (1 of 4 stars; one submission).

Conditions:
Intellectual developmental disorder, autosomal dominant 1. Also called: Intellectual disability, autosomal dominant 1; MBD5 Haploinsufficiency. Identifiers: Orphanet 228402, MedGen C1969562, MONDO:0007974, OMIM 156200.

Allele frequency attached by ClinVar (database versions not stated): gnomAD exomes below 0.00001; ExAC 0.00001.
gnomAD v4.1: 1 of 1,613,970 alleles (0.000062%); highest among the groups gnomAD compares: Non-Finnish European, 0.000085%; no homozygotes.

Submission:

Labcorp Genetics (formerly Invitae), Labcorp
Classification: Uncertain significance for Intellectual developmental disorder, autosomal dominant 1. Last evaluated: 2024-11-11. Review status: criteria provided, single submitter. Criteria: Invitae Variant Classification Sherloc (09022015). Collection method: clinical testing. Allele origin: germline.
Comment: This sequence change replaces threonine, which is neutral and polar, with serine, which is neutral and polar, at codon 766 of the MBD5 protein (p.Thr766Ser). This variant is present in population databases (rs755452378, gnomAD 0.0009%). This variant has not been reported in the literature in individuals affected with MBD5-related conditions. ClinVar contains an entry for this variant (Variation ID: 1717219). Invitae Evidence Modeling of protein sequence and biophysical properties (such as structural, functional, and spatial information, amino acid conservation, physicochemical variation, residue mobility, and thermodynamic stability) indicates that this missense variant is not expected to disrupt MBD5 protein function with a negative predictive value of 80%. In summary, the available evidence is currently insufficient to determine the role of this variant in disease. Therefore, it has been classified as a Variant of Uncertain Significance.